The following is an entry in ClinVar:

ClinVar aggregate classification (germline): Pathogenic. Review status: criteria provided, multiple submitters, no conflicts (2 of 4 stars). 2 submissions from 2 submitters: Pathogenic (2). Last evaluated 2026-05-09.

Conditions:
VPS13A-related neurodegenerative disease. Also called: LEVINE-CRITCHLEY SYNDROME; ACANTHOCYTOSIS WITH NEUROLOGIC DISORDER; Choreoacanthocytosis; Chorea-acanthocytosis; Choreaacanthocytosis; VPS13A Disease. Identifiers: Orphanet 2388, MedGen C0393576, MONDO:0008695, OMIM 200150.

Submissions (2):

Myriad Genetics, Inc.
Classification: Pathogenic for VPS13A-related neurodegenerative disease. Last evaluated: 2026-05-09. Review status: criteria provided, single submitter. Criteria: Myriad Autosomal Dominant, Autosomal Recessive and X-Linked Classification Criteria (2023). Collection method: clinical testing. Allele origin: unknown.
Comment: NM_033305.2(VPS13A):c.3513dupT(I1172Yfs*3) is expected to be pathogenic in the context of VPS13A disease. This variant is predicted to lead to an abnormal or absent protein product due to the creation of a premature termination codon in VPS13A, a gene where loss-of-function variants are known to be pathogenic. Please note: this variant was assessed in the context of healthy population screening.

Labcorp Genetics (formerly Invitae), Labcorp
Classification: Pathogenic. Last evaluated: 2023-08-29. Review status: criteria provided, single submitter. Criteria: Invitae Variant Classification Sherloc (09022015). Collection method: clinical testing. Allele origin: germline.
Comment: For these reasons, this variant has been classified as Pathogenic. This sequence change creates a premature translational stop signal (p.Ile1172Tyrfs*3) in the VPS13A gene. It is expected to result in an absent or disrupted protein product. Loss-of-function variants in VPS13A are known to be pathogenic (PMID: 12404112, 21598378). This variant is not present in population databases (gnomAD no frequency). This variant has not been reported in the literature in individuals affected with VPS13A-related conditions.

Literature cited by the submitters: PubMed 12404112 (cited by Labcorp Genetics (formerly Invitae), Labcorp); PubMed 21598378 (cited by Labcorp Genetics (formerly Invitae), Labcorp).

NM_033305.3(VPS13A):c.3513dup (p.Ile1172fs)

Gene: VPS13A (vacuolar protein sorting 13 homolog A; plus strand). Cytogenetic location: 9q21.2.
Variant type: Duplication.
Coding change: c.3513dup on transcript NM_033305.3 (MANE Select); coding-DNA position 3513, one base duplicated (T; older notation c.3513dupT).
Protein change: p.Ile1172fs; shifts the reading frame from isoleucine 1172.
Molecular consequence: frameshift variant.
Genome position (GRCh38, 1-based): chr9:77,295,547, T duplicated; the last of 4 consecutive T bases (chr9:77,295,544-77,295,547); duplicating any one gives the same sequence. VCF-style (leftmost placement, unchanged base first): chr9-77295543-C-CT. GRCh37 (hg19) VCF-style: chr9-79910459-C-CT.
Other names: c.3396dup, p.Ile1133fs (NM_001018037.2); c.3513dup, p.Ile1172fs (NM_001018038.3, NM_015186.4); short protein forms I1133fs, I1172fs.
Identifiers: ClinVar variation 2967825 (VCV002967825.4), dbSNP rs2537895836, ClinGen allele CA2690370921.